The following is an entry in ClinVar:

ClinVar aggregate classification (germline): Pathogenic (1 of 4 stars; one submission).

gnomAD v4.1: 1 of 1,613,972 alleles (0.000062%); highest among the groups gnomAD compares: Non-Finnish European, 0.000085%; no homozygotes.

Submission:

Labcorp Genetics (formerly Invitae), Labcorp
Classification: Pathogenic. Last evaluated: 2024-04-30. Review status: criteria provided, single submitter. Criteria: Invitae Variant Classification Sherloc (09022015). Collection method: clinical testing. Allele origin: germline.
Comment: This sequence change creates a premature translational stop signal (p.Tyr927*) in the ABCC6 gene. It is expected to result in an absent or disrupted protein product. Loss-of-function variants in ABCC6 are known to be pathogenic (PMID: 11536079, 17617515). This variant is not present in population databases (gnomAD no frequency). This variant has not been reported in the literature in individuals affected with ABCC6-related conditions. Algorithms developed to predict the effect of sequence changes on RNA splicing suggest that this variant may disrupt the consensus splice site. For these reasons, this variant has been classified as Pathogenic.

Literature cited by the submitters: PubMed 11536079; PubMed 17617515.

NM_001171.6(ABCC6):c.2781C>G (p.Tyr927Ter)

Gene: ABCC6 (ATP binding cassette subfamily C member 6; minus strand). Cytogenetic location: 16p13.11.
Variant type: single nucleotide variant.
Coding change: c.2781C>G on transcript NM_001171.6 (MANE Select); coding-DNA position 2781, C replaced by G.
Protein change: p.Tyr927Ter; replaces tyrosine 927 with a stop codon.
Molecular consequence: nonsense. On other transcripts: non-coding transcript variant (1).
Genome position (GRCh38, 1-based): chr16:16,173,290, G>C on the plus strand (C>G on the coding strand, the complement: ABCC6 is on the minus strand). VCF-style: chr16-16173290-G-C. GRCh37 (hg19) VCF-style: chr16-16267147-G-C.
Other names: c.2439C>G, p.Tyr813Ter (NM_001351800.1); short protein forms Y927*, Y813*.
Identifiers: ClinVar variation 2793051 (VCV002793051.3), dbSNP rs61731973, ClinGen allele CA394885493.